The following is an entry in ClinVar:

ClinVar aggregate classification (germline): Uncertain significance. Review status: criteria provided, multiple submitters, no conflicts (2 of 4 stars). 2 submissions from 2 submitters: Uncertain significance (2). Last evaluated 2025-05-26.

Conditions:
Muscular dystrophy-dystroglycanopathy (congenital with impaired intellectual development), type B, 2. Also called: Muscular dystrophy-dystroglycanopathy (congenital with intellectual disability), type B2; MUSCULAR DYSTROPHY, CONGENITAL, POMT2-RELATED. Identifiers: MedGen C3150416, MONDO:0013160, OMIM 613156.
Autosomal recessive limb-girdle muscular dystrophy type 2N. Also called: MUSCULAR DYSTROPHY-DYSTROGLYCANOPATHY, LIMB-GIRDLE, POMT2-RELATED; Muscular dystrophy-dystroglycanopathy (limb-girdle), type C, 2. Identifiers: Orphanet 206559, MedGen C3150418, MONDO:0013162, OMIM 613158.
Muscular dystrophy-dystroglycanopathy (congenital with brain and eye anomalies), type A2. Also called: MUSCULAR DYSTROPHY-DYSTROGLYCANOPATHY (CONGENITAL WITH BRAIN AND EYE ANOMALIES), TYPE A, 2; WALKER-WARBURG SYNDROME OR MUSCLE-EYE-BRAIN DISEASE, POMT2-RELATED. Identifiers: Orphanet 588, Orphanet 899, MedGen C3150411, MONDO:0013154, OMIM 613150.
Inborn genetic diseases. Identifiers: MedGen C0950123, MeSH D030342.

Allele frequency attached by ClinVar (database versions not stated): gnomAD exomes 0.00002 and 0.00001; ExAC 0.00002.

Submissions (2):

Ambry Genetics
Classification: Uncertain significance for Inborn genetic diseases. Last evaluated: 2025-05-26. Review status: criteria provided, single submitter. Criteria: Ambry Variant Classification Scheme 2023. Collection method: clinical testing. Allele origin: germline.

Labcorp Genetics (formerly Invitae), Labcorp
Classification: Uncertain significance for Muscular dystrophy-dystroglycanopathy (congenital with impaired intellectual development), type B, 2; Muscular dystrophy-dystroglycanopathy (congenital with brain and eye anomalies), type A2; Autosomal recessive limb-girdle muscular dystrophy type 2N. Last evaluated: 2021-08-18. Review status: criteria provided, single submitter. Criteria: Invitae Variant Classification Sherloc (09022015). Collection method: clinical testing. Allele origin: germline.
Comment: This sequence change replaces serine with arginine at codon 269 of the POMT2 protein (p.Ser269Arg). The serine residue is moderately conserved and there is a moderate physicochemical difference between serine and arginine. This variant is present in population databases (rs755782894, ExAC 0.01%). This variant has not been reported in the literature in individuals affected with POMT2-related conditions. Algorithms developed to predict the effect of missense changes on protein structure and function (SIFT, PolyPhen-2, Align-GVGD) all suggest that this variant is likely to be tolerated. In summary, the available evidence is currently insufficient to determine the role of this variant in disease. Therefore, it has been classified as a Variant of Uncertain Significance.

NM_013382.7(POMT2):c.807T>G (p.Ser269Arg)

Gene: POMT2 (protein O-mannosyltransferase 2; minus strand). Cytogenetic location: 14q24.3.
Variant type: single nucleotide variant.
Coding change: c.807T>G on transcript NM_013382.7 (MANE Select); coding-DNA position 807, T replaced by G.
Protein change: p.Ser269Arg; replaces serine 269 with arginine.
Molecular consequence: missense variant.
Genome position (GRCh38, 1-based): chr14:77,301,099, A>C on the plus strand (T>G on the coding strand, the complement: POMT2 is on the minus strand). VCF-style: chr14-77301099-A-C. GRCh37 (hg19) VCF-style: chr14-77767442-A-C.
Other names: c.807T>G (NM_013382.5); short protein forms S269R.
Identifiers: ClinVar variation 1443726 (VCV001443726.4), dbSNP rs755782894, ClinGen allele CA7286088.
Genomic context (GRCh38, chr14:77,301,099, plus strand): 5'-AGCAACATCAGGGAGCAAAAACATTTCCACAGCAAACCCTTGGGTGCTCACCAATGAAAG[A>C]CTGAGGTCTCCGAACAGGTACCAAAGGTCTGCAATGGTGTTCAGCCCCACTTGAAGGATG-3'
Protein context (NP_037514.2, residues 259-279): ADLWYLFGDL[Ser269Arg]LSLVTVGKHL